The following is an entry in ClinVar:

NM_001136103.3(TMEM132C):c.1092C>T (p.Cys364=)

Gene: TMEM132C (transmembrane protein 132C; plus strand). Cytogenetic location: 12q24.32.
Variant type: single nucleotide variant.
Coding change: c.1092C>T on transcript NM_001136103.3 (MANE Select); coding-DNA position 1092, C replaced by T.
Protein change: p.Cys364=; no amino-acid change (cysteine 364 retained).
Molecular consequence: synonymous variant.
Genome position (GRCh38, 1-based): chr12:128,544,074, C>T. VCF-style: chr12-128544074-C-T. GRCh37 (hg19) VCF-style: chr12-129028619-C-T.
Other names: c.1032C>T, p.Cys344= (NM_001387058.1).
Identifiers: ClinVar variation 3239044 (VCV003239044.19), dbSNP rs561801857.

ClinVar aggregate classification (germline): Likely benign (1 of 4 stars; one submission).

Allele frequency attached by ClinVar (database versions not stated): 1000 Genomes Project 0.00020; TOPMed 0.00031; gnomAD 0.00037; 1000 Genomes Project 30x 0.00047; ExAC 0.00147.
gnomAD v4.1: 817 of 1,543,166 alleles (0.053%); highest among the groups gnomAD compares: South Asian, 0.23%; 3 homozygotes.

Submission:

CeGaT Center for Human Genetics Tuebingen
Classification: Likely benign. Last evaluated: 2024-05-01. Review status: criteria provided, single submitter. Criteria: CeGaT Center For Human Genetics Tuebingen Variant Classification Criteria Version 2. Collection method: clinical testing. Allele origin: germline. Affected: yes. Observed: 1 variant allele.
Comment: TMEM132C: BP4, BP7